The following is an entry in ClinVar:

ClinVar aggregate classification (germline): Uncertain significance (1 of 4 stars; one submission).

Submission:

Ambry Genetics
Classification: Uncertain significance. Last evaluated: 2021-11-22. Review status: criteria provided, single submitter. Criteria: Ambry Variant Classification Scheme 2023. Collection method: clinical testing. Allele origin: germline.
Comment: The p.W1994C variant (also known as c.5982G>T), located in coding exon 19 of the POLQ gene, results from a G to T substitution at nucleotide position 5982. The tryptophan at codon 1994 is replaced by cysteine, an amino acid with highly dissimilar properties. This amino acid position is conserved. In addition, this alteration is predicted to be deleterious by in silico analysis. Since supporting evidence is limited at this time, the clinical significance of this alteration remains unclear.

NM_199420.4(POLQ):c.5982G>T (p.Trp1994Cys)

Gene: POLQ (DNA polymerase theta; minus strand). Cytogenetic location: 3q13.33.
Variant type: single nucleotide variant.
Coding change: c.5982G>T on transcript NM_199420.4 (MANE Select); coding-DNA position 5982, G replaced by T.
Protein change: p.Trp1994Cys; replaces tryptophan 1994 with cysteine.
Molecular consequence: missense variant.
Genome position (GRCh38, 1-based): chr3:121,481,801, C>A on the plus strand (G>T on the coding strand, the complement: POLQ is on the minus strand). VCF-style: chr3-121481801-C-A. GRCh37 (hg19) VCF-style: chr3-121200648-C-A.
Other names: short protein forms W1994C.
Identifiers: ClinVar variation 1750854 (VCV001750854.2), dbSNP rs1326605340, ClinGen allele CA354088350.